The following is an entry in ClinVar:

NM_001109878.2(TBX22):c.*347T>C

Gene: TBX22 (T-box transcription factor 22). Cytogenetic location: Xq21.1.
Variant type: single nucleotide variant.
Coding change: c.*347T>C on transcript NM_001109878.2 (MANE Select); 347 bases downstream of the stop codon, T replaced by C.
Molecular consequence: 3 prime UTR variant.
Genome position (GRCh38, 1-based): chrX:80,031,458, T>C. VCF-style: chrX-80031458-T-C. GRCh37 (hg19) VCF-style: chrX-79286957-T-C.
Other names: c.*347T>C (NM_001109879.2, NM_001303475.1, NM_016954.2).
Identifiers: ClinVar variation 368675 (VCV000368675.6), dbSNP rs142483621, ClinGen allele CA10646383.
Genomic context (GRCh38, chrX:80,031,458, plus strand): 5'-AAGTGATGGGATTTTCAATTATACTGAAGCTAGTTCACCACGTTAACTGCATTTTACACA[T>C]TGACAATGACAAAAAGAAGATGGATGTAATTCTCATGAAAGCAGTGAAGCAATTTCAGTT-3'

ClinVar aggregate classification (germline): Benign. Review status: criteria provided, multiple submitters, no conflicts (2 of 4 stars). 2 submissions from 2 submitters: Benign (2). Last evaluated 2018-01-12.

Conditions:
Cleft palate with or without ankyloglossia, X-linked. Identifiers: Orphanet 324601, MedGen C1844830, MONDO:0010560, OMIM 303400.

Allele frequency attached by ClinVar (database versions not stated): gnomAD 0.00211 and 0.00261; TOPMed 0.00226; gnomAD exomes 0.00406; 1000 Genomes Project 30x 0.00520; 1000 Genomes Project 0.00609.
gnomAD v4.1: 537 of 172,937 alleles (0.31%); highest among the groups gnomAD compares: South Asian, 1.9%; 6 homozygotes.

Submissions (2):

Illumina Laboratory Services, Illumina
Classification: Benign for Cleft palate with or without ankyloglossia, X-linked. Last evaluated: 2018-01-12. Review status: criteria provided, single submitter. Criteria: ICSL Variant Classification Criteria 13 December 2019. Collection method: clinical testing. Allele origin: germline.
Comment: This variant was observed in the ICSL laboratory as part of a predisposition screen in an ostensibly healthy population. It had not been previously curated by ICSL or reported in the Human Gene Mutation Database (HGMD: prior to June 1st, 2018), and was therefore a candidate for classification through an automated scoring system. Utilizing variant allele frequency, disease prevalence and penetrance estimates, and inheritance mode, an automated score was calculated to assess if this variant is too frequent to cause the disease. Based on the score and internal cut-off values, a variant classified as benign is not then subjected to further curation. The score for this variant resulted in a classification of benign for this disease.

Breakthrough Genomics
Classification: Benign. Review status: criteria provided, single submitter. Criteria: ACMG Guidelines, 2015. Collection method: not provided. Allele origin: germline. Inheritance: X-linked inheritance. Affected: yes.